The following is an entry in ClinVar:

ClinVar aggregate classification (germline): Uncertain significance (1 of 4 stars; one submission).

Conditions:
Arginine:glycine amidinotransferase deficiency (CCDS3). Also called: Cerebral creatine deficiency syndrome 3; Creatine deficiency syndrome due to AGAT deficiency; GATM deficiency; L-Arginine:Glycine Amidinotransferase (AGAT) Deficiency; AGAT deficiency; L-Arginine:Glycine Amidinotransferase Deficiency. Identifiers: Orphanet 35704, MedGen C2675179, MONDO:0012996, OMIM 612718.

Submission:

Labcorp Genetics (formerly Invitae), Labcorp
Classification: Uncertain significance for Arginine:glycine amidinotransferase deficiency. Last evaluated: 2022-10-04. Review status: criteria provided, single submitter. Criteria: Invitae Variant Classification Sherloc (09022015). Collection method: clinical testing. Allele origin: germline.
Comment: A copy number gain of the genomic region encompassing the full coding sequence of the GATM gene has been identified. The boundaries of this event are unknown as they extend beyond the assayed region for this gene and therefore may encompass additional genes. As the precise location of this event is unknown, it may be in tandem or it may be located elsewhere in the genome. This variant has not been reported in the literature in individuals affected with GATM-related conditions. In summary, the available evidence is currently insufficient to determine the role of this variant in disease. Therefore, it has been classified as a Variant of Uncertain Significance.

NC_000015.9:g.(?_45152372)_(45670651_?)dup

Genes: DUOX1 (dual oxidase 1; plus strand), DUOX2 (dual oxidase 2; minus strand), DUOXA1 (dual oxidase maturation factor 1; minus strand), DUOXA2 (dual oxidase maturation factor 2; plus strand), GATM (glycine amidinotransferase; minus strand) and 4 more. Cytogenetic location: 15q21.1.
Variant type: Duplication.
Identifiers: ClinVar variation 2424189 (VCV002424189.3).